The following is an entry in ClinVar:

NM_000059.4(BRCA2):c.10094T>C (p.Val3365Ala)

Gene: BRCA2 (BRCA2 DNA repair associated; plus strand). Cytogenetic location: 13q13.1.
Variant type: single nucleotide variant.
Coding change: c.10094T>C on transcript NM_000059.4 (MANE Select); coding-DNA position 10094, T replaced by C.
Protein change: p.Val3365Ala; replaces valine 3365 with alanine.
Molecular consequence: missense variant.
Genome position (GRCh38, 1-based): chr13:32,398,607, T>C. VCF-style: chr13-32398607-T-C. GRCh37 (hg19) VCF-style: chr13-32972744-T-C.
Other names: c.9998T>C, p.Val3333Ala (NM_001406719.1); c.10043T>C, p.Val3348Ala (NM_001406720.1); c.5162T>C, p.Val1721Ala (NM_001406721.1); c.3677T>C, p.Val1226Ala (NM_001406722.1); short protein forms V3348A, V1721A, V3365A, V1226A, V3333A.
Identifiers: ClinVar variation 1793476 (VCV001793476.2), dbSNP rs2137666515, ClinGen allele CA387767979.

ClinVar aggregate classification (germline): Uncertain significance (1 of 4 stars; one submission).

Conditions:
Hereditary cancer-predisposing syndrome. Also called: Tumor predisposition; Hereditary Cancer Syndrome; Neoplastic Syndromes, Hereditary; Hereditary neoplastic syndrome. Identifiers: Orphanet 140162, MedGen C0027672, MeSH D009386, MONDO:0015356.

Submission:

Ambry Genetics
Classification: Uncertain significance for Hereditary cancer-predisposing syndrome. Last evaluated: 2021-09-16. Review status: criteria provided, single submitter. Criteria: Ambry Variant Classification Scheme 2023. Collection method: clinical testing. Allele origin: germline.
Comment: The p.V3365A variant (also known as c.10094T>C), located in coding exon 26 of the BRCA2 gene, results from a T to C substitution at nucleotide position 10094. The valine at codon 3365 is replaced by alanine, an amino acid with similar properties. This amino acid position is conserved. In addition, this alteration is predicted to be tolerated by in silico analysis. Since supporting evidence is limited at this time, the clinical significance of this alteration remains unclear.